The following is an entry in ClinVar:

ClinVar aggregate classification (germline): Uncertain significance (1 of 4 stars; one submission).

Submission:

Labcorp Genetics (formerly Invitae), Labcorp
Classification: Uncertain significance. Last evaluated: 2021-12-02. Review status: criteria provided, single submitter. Criteria: Invitae Variant Classification Sherloc (09022015). Collection method: clinical testing. Allele origin: germline.
Comment: A copy number gain of the genomic region encompassing the full coding sequence of the AGXT gene has been identified. The boundaries of this event are unknown as they extend beyond the assayed region for this gene and therefore may encompass additional genes. As the precise location of this event is unknown, it may be in tandem or it may be located elsewhere in the genome. This variant has not been reported in the literature in individuals affected with AGXT-related conditions. In summary, the available evidence is currently insufficient to determine the role of this variant in disease. Therefore, it has been classified as a Variant of Uncertain Significance.

NC_000002.11:g.(?_236403331)_(242801596_?)dup

Genes: COL6A3 (collagen type VI alpha 3 chain; minus strand), OTOS (otospiralin; minus strand), PASK (PAS domain containing serine/threonine kinase; minus strand), PDCD1 (programmed cell death 1; minus strand), PER2 (period circadian regulator 2; minus strand) and 56 more. Cytogenetic location: 2q37.2-37.3.
Variant type: Duplication.
Identifiers: ClinVar variation 1371785 (VCV001371785.4).